The following is an entry in ClinVar:

NM_152263.4(TPM3):c.271C>G (p.Arg91Gly)

Gene: TPM3 (tropomyosin 3; minus strand). Cytogenetic location: 1q21.3.
Variant type: single nucleotide variant.
Coding change: c.271C>G on transcript NM_152263.4 (MANE Select); coding-DNA position 271, C replaced by G.
Protein change: p.Arg91Gly; replaces arginine 91 with glycine.
Molecular consequence: missense variant. On other transcripts: 5 prime UTR variant (1), non-coding transcript variant (1), intron variant (1).
Genome position (GRCh38, 1-based): chr1:154,176,221, G>C on the plus strand (C>G on the coding strand, the complement: TPM3 is on the minus strand). VCF-style: chr1-154176221-G-C. GRCh37 (hg19) VCF-style: chr1-154148697-G-C.
Other names: c.160C>G, p.Arg54Gly (NM_001043351.2, NM_001043352.2, NM_001043353.2 and 5 more transcripts); c.-111C>G (NM_001278191.2); c.271C>G, p.Arg91Gly (NM_001364679.2, NM_001364680.2, NM_001364681.2 and 1 more transcripts); c.69-3020C>G (NM_001278188.2); short protein forms R54G, R91G.
Identifiers: ClinVar variation 1474806 (VCV001474806.8), dbSNP rs1571418855, ClinGen allele CA342585073.

ClinVar aggregate classification (germline): Likely pathogenic (1 of 4 stars; one submission).

Conditions:
Congenital myopathy 4B, autosomal recessive. Also called: Nemaline myopathy 1, autosomal dominant or recessive. Identifiers: Orphanet 171433, Orphanet 171439, Orphanet 171881, MedGen C5829889, MONDO:0012239, OMIM 609284.
Congenital myopathy with fiber type disproportion. Also called: Congenital fiber-type disproportion myopathy; Congenital fiber-type disproportion. Identifiers: Orphanet 2020, MedGen C0546264, MONDO:0009711. Inheritance: all.

Submission:

Labcorp Genetics (formerly Invitae), Labcorp
Classification: Likely pathogenic for Congenital myopathy with fiber type disproportion; Congenital myopathy 4B, autosomal recessive. Last evaluated: 2022-10-18. Review status: criteria provided, single submitter. Criteria: Invitae Variant Classification Sherloc (09022015). Collection method: clinical testing. Allele origin: germline.
Comment: This sequence change replaces arginine, which is basic and polar, with glycine, which is neutral and non-polar, at codon 91 of the TPM3 protein (p.Arg91Gly). This variant is not present in population databases (gnomAD no frequency). This variant has not been reported in the literature in individuals affected with TPM3-related conditions. ClinVar contains an entry for this variant (Variation ID: 1474806). Advanced modeling of protein sequence and biophysical properties (such as structural, functional, and spatial information, amino acid conservation, physicochemical variation, residue mobility, and thermodynamic stability) performed at Invitae indicates that this missense variant is expected to disrupt TPM3 protein function. Algorithms developed to predict the effect of sequence changes on RNA splicing suggest that this variant may disrupt the consensus splice site. This variant disrupts the p.Arg91 amino acid residue in TPM3. Other variant(s) that disrupt this residue have been determined to be pathogenic (PMID: 19953533, 24692096; Invitae). This suggests that this residue is clinically significant, and that variants that disrupt this residue are likely to be disease-causing. In summary, the currently available evidence indicates that the variant is pathogenic, but additional data are needed to prove that conclusively. Therefore, this variant has been classified as Likely Pathogenic.

Literature cited by the submitters: PubMed 19953533; PubMed 24692096.